The following is an entry in ClinVar:

ClinVar aggregate classification (germline): Uncertain significance (1 of 4 stars; one submission).

Submission:

Labcorp Genetics (formerly Invitae), Labcorp
Classification: Uncertain significance. Last evaluated: 2025-04-03. Review status: criteria provided, single submitter. Criteria: Invitae Variant Classification Sherloc (09022015). Collection method: clinical testing. Allele origin: germline.
Comment: This sequence change replaces serine, which is neutral and polar, with arginine, which is basic and polar, at codon 3451 of the HMCN1 protein (p.Ser3451Arg). This variant is not present in population databases (gnomAD no frequency). This variant has not been reported in the literature in individuals affected with HMCN1-related conditions. An algorithm developed to predict the effect of missense changes on protein structure and function (PolyPhen-2) suggests that this variant is likely to be disruptive. In summary, the available evidence is currently insufficient to determine the role of this variant in disease. Therefore, it has been classified as a Variant of Uncertain Significance.

NM_031935.3(HMCN1):c.10353T>A (p.Ser3451Arg)

Gene: HMCN1 (hemicentin 1; plus strand). Cytogenetic location: 1q31.1.
Variant type: single nucleotide variant.
Coding change: c.10353T>A on transcript NM_031935.3 (MANE Select); coding-DNA position 10353, T replaced by A.
Protein change: p.Ser3451Arg; replaces serine 3451 with arginine.
Molecular consequence: missense variant.
Genome position (GRCh38, 1-based): chr1:186,095,301, T>A. VCF-style: chr1-186095301-T-A. GRCh37 (hg19) VCF-style: chr1-186064433-T-A.
Other names: short protein forms S3451R.
Identifiers: ClinVar variation 4716705 (VCV004716705.1).
Genomic context (GRCh38, chr1:186,095,301, plus strand): 5'-AGCACCACCAAATATGGACAATTCAATGGGGACAGAGGAAATCACAGTTCTCAAAGGTAG[T>A]TCCACCTCTATGGCATGCATTACTGATGGAACCCCAGCTCCCAGTATGGCCTGGCTTAGA-3'
Protein context (NP_114141.2, residues 3441-3461): GTEEITVLKG[Ser3451Arg]STSMACITDG